The following is an entry in ClinVar:

ClinVar aggregate classification (germline): Pathogenic (1 of 4 stars; one submission).

Conditions:
Hereditary cancer-predisposing syndrome. Also called: Neoplastic Syndromes, Hereditary; Tumor predisposition; Hereditary Cancer Syndrome; Hereditary neoplastic syndrome. Identifiers: Orphanet 140162, MedGen C0027672, MeSH D009386, MONDO:0015356.

Submission:

Ambry Genetics
Classification: Pathogenic for Hereditary cancer-predisposing syndrome. Last evaluated: 2026-04-24. Review status: criteria provided, single submitter. Criteria: Ambry Variant Classification Scheme 2023. Collection method: clinical testing. Allele origin: germline.
Comment: The c.2870delC variant, located in coding exon 21 of the MSH3 gene, results from a deletion of one nucleotide at nucleotide position 2870, causing a translational frameshift with a predicted alternate stop codon (p.T957Mfs*6). This variant is considered to be rare based on population cohorts in the Genome Aggregation Database (gnomAD). This alteration is expected to result in loss of function by premature protein truncation or nonsense-mediated mRNA decay. As such, this alteration is interpreted as a disease-causing mutation.

NM_002439.5(MSH3):c.2870del (p.Thr957fs)

Gene: MSH3 (mutS homolog 3; plus strand). Cytogenetic location: 5q14.1.
Variant type: Deletion.
Coding change: c.2870del on transcript NM_002439.5 (MANE Select); coding-DNA position 2870, one base deleted (C; older notation c.2870delC).
Protein change: p.Thr957fs; shifts the reading frame from threonine 957.
Molecular consequence: frameshift variant.
Genome position (GRCh38, 1-based): chr5:80,854,186, C deleted. VCF-style (leftmost placement, unchanged base first): chr5-80854185-AC-A. GRCh37 (hg19) VCF-style: chr5-80150004-AC-A.
Other names: short protein forms T957fs.
Identifiers: ClinVar variation 4860337 (VCV004860337.1).